The following is an entry in ClinVar:

ClinVar aggregate classification (germline): Uncertain significance (1 of 4 stars; one submission).

Submission:

Labcorp Genetics (formerly Invitae), Labcorp
Classification: Uncertain significance. Last evaluated: 2026-01-28. Review status: criteria provided, single submitter. Criteria: Invitae Variant Classification Sherloc (09022015). Collection method: clinical testing. Allele origin: germline.
Comment: This sequence change replaces aspartic acid, which is acidic and polar, with glycine, which is neutral and non-polar, at codon 77 of the SPTB protein (p.Asp77Gly). This variant is not present in population databases (gnomAD no frequency). This variant has not been reported in the literature in individuals affected with SPTB-related conditions. An algorithm developed to predict the effect of missense changes on protein structure and function (PolyPhen-2) suggests that this variant is likely to be disruptive. In summary, the available evidence is currently insufficient to determine the role of this variant in disease. Therefore, it has been classified as a Variant of Uncertain Significance.

NM_001355436.2(SPTB):c.230A>G (p.Asp77Gly)

Gene: SPTB (spectrin beta, erythrocytic; minus strand). Cytogenetic location: 14q23.3.
Variant type: single nucleotide variant.
Coding change: c.230A>G on transcript NM_001355436.2 (MANE Select); coding-DNA position 230, A replaced by G.
Protein change: p.Asp77Gly; replaces aspartic acid 77 with glycine.
Molecular consequence: missense variant.
Genome position (GRCh38, 1-based): chr14:64,805,009, T>C on the plus strand (A>G on the coding strand, the complement: SPTB is on the minus strand). VCF-style: chr14-64805009-T-C. GRCh37 (hg19) VCF-style: chr14-65271727-T-C.
Other names: c.230A>G, p.Asp77Gly (NM_001024858.4, NM_001355437.2); short protein forms D77G.
Identifiers: ClinVar variation 4736359 (VCV004736359.1).